The following is an entry in ClinVar:

ClinVar aggregate classification (germline): Uncertain significance (1 of 4 stars; one submission).

Conditions:
Hereditary cancer-predisposing syndrome. Also called: Neoplastic Syndromes, Hereditary; Hereditary Cancer Syndrome; Hereditary neoplastic syndrome; Tumor predisposition. Identifiers: Orphanet 140162, MedGen C0027672, MeSH D009386, MONDO:0015356.

Submission:

Ambry Genetics
Classification: Uncertain significance for Hereditary cancer-predisposing syndrome. Last evaluated: 2023-04-22. Review status: criteria provided, single submitter. Criteria: Ambry Variant Classification Scheme 2023. Collection method: clinical testing. Allele origin: germline.
Comment: The p.E375Q variant (also known as c.1123G>C), located in coding exon 8 of the POLD1 gene, results from a G to C substitution at nucleotide position 1123. The glutamic acid at codon 375 is replaced by glutamine, an amino acid with highly similar properties. This amino acid position is conserved. In addition, this alteration is predicted to be tolerated by in silico analysis. Since supporting evidence is limited at this time, the clinical significance of this alteration remains unclear.

NM_002691.4(POLD1):c.1123G>C (p.Glu375Gln)

Gene: POLD1 (DNA polymerase delta 1, catalytic subunit; plus strand). Cytogenetic location: 19q13.33.
Variant type: single nucleotide variant.
Coding change: c.1123G>C on transcript NM_002691.4 (MANE Select); coding-DNA position 1123, G replaced by C.
Protein change: p.Glu375Gln; replaces glutamic acid 375 with glutamine.
Molecular consequence: missense variant. On other transcripts: non-coding transcript variant (1).
Genome position (GRCh38, 1-based): chr19:50,403,205, G>C. VCF-style: chr19-50403205-G-C. GRCh37 (hg19) VCF-style: chr19-50906462-G-C.
Other names: c.1123G>C, p.Glu375Gln (NM_001256849.1, NM_001308632.1); short protein forms E375Q.
Identifiers: ClinVar variation 2563174 (VCV002563174.2), dbSNP rs2038731369, ClinGen allele CA406978376.